The following is an entry in ClinVar:

ClinVar aggregate classification (germline): Uncertain significance (1 of 4 stars; one submission).

Conditions:
Cardiovascular phenotype. Identifiers: MedGen CN230736.

Submission:

Ambry Genetics
Classification: Uncertain significance for Cardiovascular phenotype. Last evaluated: 2024-06-21. Review status: criteria provided, single submitter. Criteria: Ambry Variant Classification Scheme 2023. Collection method: clinical testing. Allele origin: germline.
Comment: The p.E1324D variant (also known as c.3972G>C), located in coding exon 26 of the MYH6 gene, results from a G to C substitution at nucleotide position 3972. The glutamic acid at codon 1324 is replaced by aspartic acid, an amino acid with highly similar properties. This amino acid position is conserved. In addition, the in silico prediction for this alteration is inconclusive. Based on the available evidence, the clinical significance of this variant remains unclear.

NM_002471.4(MYH6):c.3972G>C (p.Glu1324Asp)

Gene: MYH6 (myosin heavy chain 6; minus strand). Cytogenetic location: 14q11.2.
Variant type: single nucleotide variant.
Coding change: c.3972G>C on transcript NM_002471.4 (MANE Select); coding-DNA position 3972, G replaced by C.
Protein change: p.Glu1324Asp; replaces glutamic acid 1324 with aspartic acid.
Molecular consequence: missense variant.
Genome position (GRCh38, 1-based): chr14:23,389,399, C>G on the plus strand (G>C on the coding strand, the complement: MYH6 is on the minus strand). VCF-style: chr14-23389399-C-G. GRCh37 (hg19) VCF-style: chr14-23858608-C-G.
Other names: short protein forms E1324D.
Identifiers: ClinVar variation 3297504 (VCV003297504.1).